The following is an entry in ClinVar:

ClinVar aggregate classification (germline): Uncertain significance (1 of 4 stars; one submission).

Conditions:
Severe early-onset pulmonary alveolar proteinosis due to MARS deficiency. Also called: PULMONARY ALVEOLAR PROTEINOSIS, REUNION ISLAND; Interstitial lung and liver disease. Identifiers: Orphanet 440427, MedGen C4225400, MONDO:0014206, OMIM 615486.
Charcot-Marie-Tooth disease axonal type 2U. Also called: CHARCOT-MARIE-TOOTH NEUROPATHY, TYPE 2U; CHARCOT-MARIE-TOOTH DISEASE, AXONAL, AUTOSOMAL DOMINANT, TYPE 2U. Identifiers: Orphanet 397735, MedGen C4084821, MONDO:0014566, OMIM 616280.

Submission:

Labcorp Genetics (formerly Invitae), Labcorp
Classification: Uncertain significance for Charcot-Marie-Tooth disease axonal type 2U; Severe early-onset pulmonary alveolar proteinosis due to MARS deficiency. Last evaluated: 2024-10-22. Review status: criteria provided, single submitter. Criteria: Invitae Variant Classification Sherloc (09022015). Collection method: clinical testing. Allele origin: germline.
Comment: This sequence change replaces tryptophan, which is neutral and slightly polar, with arginine, which is basic and polar, at codon 303 of the MARS protein (p.Trp303Arg). This variant is not present in population databases (gnomAD no frequency). This variant has not been reported in the literature in individuals affected with MARS-related conditions. ClinVar contains an entry for this variant (Variation ID: 2072537). An algorithm developed to predict the effect of missense changes on protein structure and function (PolyPhen-2) suggests that this variant is likely to be tolerated. In summary, the available evidence is currently insufficient to determine the role of this variant in disease. Therefore, it has been classified as a Variant of Uncertain Significance.

NM_004990.4(MARS1):c.907T>C (p.Trp303Arg)

Gene: MARS1 (methionyl-tRNA synthetase 1; plus strand). Cytogenetic location: 12q13.3.
Variant type: single nucleotide variant.
Coding change: c.907T>C on transcript NM_004990.4 (MANE Select); coding-DNA position 907, T replaced by C.
Protein change: p.Trp303Arg; replaces tryptophan 303 with arginine.
Molecular consequence: missense variant.
Genome position (GRCh38, 1-based): chr12:57,498,439, T>C. VCF-style: chr12-57498439-T-C. GRCh37 (hg19) VCF-style: chr12-57892222-T-C.
Other names: short protein forms W303R.
Identifiers: ClinVar variation 2072537 (VCV002072537.4), dbSNP rs2540286663, ClinGen allele CA385455251.